The following is an entry in ClinVar:

NM_032043.3(BRIP1):c.424A>G (p.Lys142Glu)

Gene: BRIP1 (BRCA1 interacting DNA helicase 1; minus strand). Cytogenetic location: 17q23.2.
Variant type: single nucleotide variant.
Coding change: c.424A>G on transcript NM_032043.3 (MANE Select); coding-DNA position 424, A replaced by G.
Protein change: p.Lys142Glu; replaces lysine 142 with glutamic acid.
Molecular consequence: missense variant.
Genome position (GRCh38, 1-based): chr17:61,849,212, T>C on the plus strand (A>G on the coding strand, the complement: BRIP1 is on the minus strand). VCF-style: chr17-61849212-T-C. GRCh37 (hg19) VCF-style: chr17-59926573-T-C.
Other names: short protein forms K142E.
Identifiers: ClinVar variation 481641 (VCV000481641.8), dbSNP rs1555616188, ClinGen allele CA400484529.

ClinVar aggregate classification (germline): Uncertain significance. Review status: criteria provided, multiple submitters, no conflicts (2 of 4 stars). 3 submissions from 3 submitters: Uncertain significance (2). 1 of the submissions does not count toward it. Last evaluated 2024-07-13.

Conditions:
Hereditary cancer-predisposing syndrome. Also called: Hereditary neoplastic syndrome; Neoplastic Syndromes, Hereditary; Tumor predisposition; Hereditary Cancer Syndrome. Identifiers: Orphanet 140162, MedGen C0027672, MeSH D009386, MONDO:0015356.
Fanconi anemia complementation group J. Also called: BRIP1-Related Fanconi Anemia. Identifiers: Orphanet 84, MedGen C1836860, MONDO:0012187, OMIM 609054.
Familial cancer of breast. Also called: BREAST CANCER, FAMILIAL; Hereditary breast cancer; hereditary breast carcinoma. Identifiers: Orphanet 227535, MedGen C0346153, MONDO:0016419, OMIM 114480. Disease mechanism: loss of function.

Submissions (3):

Labcorp Genetics (formerly Invitae), Labcorp
Classification: Uncertain significance for Familial cancer of breast; Fanconi anemia complementation group J. Last evaluated: 2024-07-13. Review status: criteria provided, single submitter. Criteria: Invitae Variant Classification Sherloc (09022015). Collection method: clinical testing. Allele origin: germline.
Comment: This sequence change replaces lysine, which is basic and polar, with glutamic acid, which is acidic and polar, at codon 142 of the BRIP1 protein (p.Lys142Glu). This variant is not present in population databases (gnomAD no frequency). This variant has not been reported in the literature in individuals affected with BRIP1-related conditions. ClinVar contains an entry for this variant (Variation ID: 481641). Advanced modeling of protein sequence and biophysical properties (such as structural, functional, and spatial information, amino acid conservation, physicochemical variation, residue mobility, and thermodynamic stability) performed at Invitae indicates that this missense variant is not expected to disrupt BRIP1 protein function with a negative predictive value of 80%. In summary, the available evidence is currently insufficient to determine the role of this variant in disease. Therefore, it has been classified as a Variant of Uncertain Significance.

Ambry Genetics
Classification: Uncertain significance for Hereditary cancer-predisposing syndrome. Last evaluated: 2016-04-20. Review status: criteria provided, single submitter. Criteria: Ambry Variant Classification Scheme 2023. Collection method: clinical testing. Allele origin: germline.
Comment: The p.K142E variant (also known as c.424A>G), located in coding exon 4 of the BRIP1 gene, results from an A to G substitution at nucleotide position 424. The lysine at codon 142 is replaced by glutamic acid, an amino acid with similar properties. This variant was not reported in population based cohorts in the following databases: Database of Single Nucleotide Polymorphisms (dbSNP), NHLBI Exome Sequencing Project (ESP), and 1000 Genomes Project. In the ESP, this variant was not observed in 6503 samples (13006 alleles) with coverage at this position. To date, this alteration has been detected with an allele frequency of approximately 0.001% (greater than 120000 alleles tested) in our clinical cohort. This amino acid position is highly conserved in available vertebrate species. In addition, this alteration is predicted to be tolerated by in silico analysis. Since supporting evidence is limited at this time, the clinical significance of this alteration remains unclear.

Leiden Open Variation Database
Classification: Uncertain significance. Last evaluated: 2019-08-13. Review status: no assertion criteria provided. Collection method: curation. Allele origin: germline. Affected: yes. Not counted in ClinVar's aggregate classification.
Comment: Curator: Arleen D. Auerbach. Submitter to LOVD: Yukihide Momozawa.

Literature cited by the submitters: PubMed 31214711 (cited by Leiden Open Variation Database).